The following is an entry in ClinVar:

NM_001278512.2(AP3B2):c.2210C>A (p.Ser737Tyr)

Genes: AP3B2 (adaptor related protein complex 3 subunit beta 2; minus strand), CPEB1-AS1 (CPEB1 antisense RNA 1; plus strand). Cytogenetic location: 15q25.2.
Variant type: single nucleotide variant.
Coding change: c.2210C>A on transcript NM_001278512.2 (MANE Select); coding-DNA position 2210, C replaced by A.
Protein change: p.Ser737Tyr; replaces serine 737 with tyrosine.
Molecular consequence: missense variant.
Genome position (GRCh38, 1-based): chr15:82,664,418, G>T on the plus strand (C>A on the coding strand, the complement: AP3B2 is on the minus strand). VCF-style: chr15-82664418-G-T. GRCh37 (hg19) VCF-style: chr15-83333170-G-T.
Other names: c.2057C>A, p.Ser686Tyr (NM_001278511.2); c.2153C>A, p.Ser718Tyr (NM_004644.5); c.2153C>A (NM_004644.3); short protein forms S686Y, S718Y, S737Y.
Identifiers: ClinVar variation 1937044 (VCV001937044.3), dbSNP rs1260706879, ClinGen allele CA393311912.

ClinVar aggregate classification (germline): Uncertain significance. Review status: criteria provided, multiple submitters, no conflicts (2 of 4 stars). 2 submissions from 2 submitters: Uncertain significance (2). Last evaluated 2024-10-22.

Conditions:
Inborn genetic diseases. Identifiers: MedGen C0950123, MeSH D030342.

Allele frequency attached by ClinVar (database versions not stated): gnomAD 0.00001; TOPMed 0.00001; gnomAD exomes 0.00005.
gnomAD v4.1: 76 of 1,613,716 alleles (0.0047%); highest among the groups gnomAD compares: Non-Finnish European, 0.0063%; no homozygotes.

Submissions (2):

Ambry Genetics
Classification: Uncertain significance for Inborn genetic diseases. Last evaluated: 2024-10-22. Review status: criteria provided, single submitter. Criteria: Ambry Variant Classification Scheme 2023. Collection method: clinical testing. Allele origin: germline.

Labcorp Genetics (formerly Invitae), Labcorp
Classification: Uncertain significance. Last evaluated: 2022-05-29. Review status: criteria provided, single submitter. Criteria: Invitae Variant Classification Sherloc (09022015). Collection method: clinical testing. Allele origin: germline.
Comment: This sequence change replaces serine, which is neutral and polar, with tyrosine, which is neutral and polar, at codon 718 of the AP3B2 protein (p.Ser718Tyr). This variant is present in population databases (no rsID available, gnomAD 0.003%). This variant has not been reported in the literature in individuals affected with AP3B2-related conditions. Algorithms developed to predict the effect of missense changes on protein structure and function are either unavailable or do not agree on the potential impact of this missense change (SIFT: "Deleterious"; PolyPhen-2: "Possibly Damaging"; Align-GVGD: "Class C0"). Algorithms developed to predict the effect of sequence changes on RNA splicing suggest that this variant may create or strengthen a splice site. In summary, the available evidence is currently insufficient to determine the role of this variant in disease. Therefore, it has been classified as a Variant of Uncertain Significance.